The following is an entry in ClinVar:

NC_000016.10:g.(?_89791393)_(89811081_?)del

Gene: FANCA (FA complementation group A; minus strand). Cytogenetic location: 16q24.3.
Variant type: Deletion.
Identifiers: ClinVar variation 831816 (VCV000831816.5).

ClinVar aggregate classification (germline): Pathogenic (1 of 4 stars; one submission).

Conditions:
Fanconi anemia (FA). Also called: Fanconi's anemia. Identifiers: Orphanet 84, MedGen C0015625, MeSH D005199, MONDO:0019391.

Submission:

Labcorp Genetics (formerly Invitae), Labcorp
Classification: Pathogenic for Fanconi anemia. Last evaluated: 2022-09-15. Review status: criteria provided, single submitter. Criteria: Invitae Variant Classification Sherloc (09022015). Collection method: clinical testing. Allele origin: germline.
Comment: This variant is a gross deletion of the genomic region encompassing exon(s) 4-14 of the FANCA gene. This deletion is out-of-frame, and is expected to create a premature termination codon and result in an absent or disrupted protein product. Loss-of-function variants in FANCA are known to be pathogenic (PMID: 19367192). This variant has not been reported in the literature in individuals affected with FANCA-related conditions. For these reasons, this variant has been classified as Pathogenic.

Literature cited by the submitters: PubMed 19367192.